The following is an entry in ClinVar:

NM_001242896.3(DEPDC5):c.572A>G (p.Tyr191Cys)

Gene: DEPDC5 (DEP domain containing 5, GATOR1 subcomplex subunit; plus strand). Cytogenetic location: 22q12.2.
Variant type: single nucleotide variant.
Coding change: c.572A>G on transcript NM_001242896.3 (MANE Select); coding-DNA position 572, A replaced by G.
Protein change: p.Tyr191Cys; replaces tyrosine 191 with cysteine.
Molecular consequence: missense variant. On other transcripts: non-coding transcript variant (5).
Genome position (GRCh38, 1-based): chr22:31,784,823, A>G. VCF-style: chr22-31784823-A-G. GRCh37 (hg19) VCF-style: chr22-32180809-A-G.
Other names: c.572A>G, p.Tyr191Cys (NM_001363854.2, NM_001364318.2, NM_001364319.2 and 7 more transcripts); c.488A>G, p.Tyr163Cys (NM_001369901.1, NM_001369902.1); short protein forms Y163C, Y191C.
Identifiers: ClinVar variation 944676 (VCV000944676.18), dbSNP rs749809456, ClinGen allele CA10196033.
Genomic context (GRCh38, chr22:31,784,823, plus strand): 5'-AAATAAAGATTGTTCTCATGTTCTCATCCTTTTTTCATTGTTTCTTTTCAGGGGATTTGT[A>G]TTTTGAGAAAGCTGTGAATGGTTTCCTTGCTGATCTATTTACCAAGTGGAAGGTACATTT-3'
Protein context (NP_001229825.1, residues 181-201): MWDFDIYGDL[Tyr191Cys]FEKAVNGFLA

ClinVar aggregate classification (germline): Conflicting classifications of pathogenicity. Review status: criteria provided, conflicting classifications (1 of 4 stars). 6 submissions from 6 submitters: Likely pathogenic (1); Uncertain significance (5). Last evaluated 2025-12-21.

Conditions:
Familial focal epilepsy with variable foci (FPEVF). Identifiers: Orphanet 98820, MedGen C1858477, MONDO:0020310.
Inborn genetic diseases. Identifiers: MedGen C0950123, MeSH D030342.
Epilepsy, familial focal, with variable foci 1 (FFEVF1). Also called: DEPDC5-Related Epilepsy. Identifiers: MedGen C4551983, MONDO:0024556, OMIM 604364.
Epileptic encephalopathy. Identifiers: MedGen C0543888, HP:0200134.

Allele frequency attached by ClinVar (database versions not stated): gnomAD exomes 0.00002; ExAC 0.00001; gnomAD 0.00002; TOPMed 0.00004.
gnomAD v4.1: 36 of 1,613,146 alleles (0.0022%); highest among the groups gnomAD compares: Admixed American, 0.017%; no homozygotes.

Submissions (6):

Labcorp Genetics (formerly Invitae), Labcorp
Classification: Likely pathogenic for Familial focal epilepsy with variable foci. Last evaluated: 2025-12-21. Review status: criteria provided, single submitter. Criteria: Invitae Variant Classification Sherloc (09022015). Collection method: clinical testing. Allele origin: germline.
Comment: This sequence change replaces tyrosine, which is neutral and polar, with cysteine, which is neutral and slightly polar, at codon 191 of the DEPDC5 protein (p.Tyr191Cys). This variant is present in population databases (rs749809456, gnomAD 0.01%). This missense change has been observed in individuals with autosomal dominant DEPDC5-related conditions (internal data). ClinVar contains an entry for this variant (Variation ID: 944676). Experimental studies and prediction algorithms are not available or were not evaluated, and the functional significance of this variant is currently unknown. In summary, the currently available evidence indicates that the variant is pathogenic, but additional data are needed to prove that conclusively. Therefore, this variant has been classified as Likely Pathogenic.

Clinical Genetics Laboratory, University Hospital Schleswig-Holstein
Classification: Uncertain significance for Epilepsy, familial focal, with variable foci 1. Last evaluated: 2025-02-25. Review status: criteria provided, single submitter. Criteria: ACMG Guidelines, 2015. Collection method: clinical testing. Allele origin: germline. Affected: yes. Observed: 1 heterozygote.
Comment: ACMG criteria applied: PS4_Supporting, PP3, PP2

Ambry Genetics
Classification: Uncertain significance for Inborn genetic diseases. Last evaluated: 2024-09-26. Review status: criteria provided, single submitter. Criteria: Ambry Variant Classification Scheme 2023. Collection method: clinical testing. Allele origin: germline.

Blueprint Genetics
Classification: Uncertain significance. Last evaluated: 2023-11-30. Review status: criteria provided, single submitter. Criteria: ACMG Guidelines, 2015. Collection method: clinical testing. Allele origin: germline.

Unidad de Genómica Garrahan, Hospital de Pediatría Garrahan
Classification: Uncertain significance for Epileptic encephalopathy. Last evaluated: 2023-08-17. Review status: criteria provided, single submitter. Criteria: ACMG Guidelines, 2015. Collection method: clinical testing. Allele origin: germline. Affected: yes. Observed: 2 variant alleles.
Comment: The NM_001242896.3:c.572A>G; p.(Tyr191Cys) , is a missense variant in the DEPDC5 gene, that was identified in heterozygous state in two unrelated patients with epilepsy. This variant is rare in population databases (gnomAD allele frequency < 0.0001; PM2_moderate) and has 3 entries in ClinVar (Variation ID: 944676), all classified as a Variant of Uncertain Significance (VUS) as of August 2023. In silico predictions of pathogenicity are discordant (Revel: uncertain, score 0.63), and to our knowledge, no functional studies are available to assess its impact on the DEPDC5 protein. Therefore, we have classified this variant as Variant of Uncertain Significance, based on the following ACMG/AMP criteria: PM2_moderate.

New York Genome Center
Classification: Uncertain significance for Epilepsy, familial focal, with variable foci 1. Last evaluated: 2020-07-03. Review status: criteria provided, single submitter. Criteria: NYGC Assertion Criteria 2020. Collection method: clinical testing. Allele origin: inherited. Observed: 1 heterozygote. Study: CSER-NYCKidSeq.
Comment: The inherited heterozygous p.Tyr191Cys variant identified in the DEPDC5 gene has not been reported in affected individuals in the literature to the best of our knowledge. The variant has 0.00002095 allele frequency in the gnomAD(v3) database (3 out of 143,182 heterozygotes, no homozygote) indicating it is a rare allele in thegeneral population. The affected residue is evolutionarily conserved.The variant is predicted deleterious by multiple in silico prediction tools. Functional studies to evaluate the potential pathogenicity of this variant have not been reported in the literature. Based on the current evidence, the inherited p.Tyr191Cys variant in the DEPDC5 gene is assessed as a variant of uncertain significance.